The following is an entry in ClinVar:

ClinVar aggregate classification (germline): Uncertain significance. Review status: reviewed by expert panel (3 of 4 stars). 5 submissions from 5 submitters: Uncertain significance (1). 4 of the submissions do not count toward it. Last evaluated 2024-10-29.

Conditions:
Hereditary thrombocytopenia and hematological cancer predisposition syndrome associated with RUNX1. Also called: Familial Platelet Disorder with Propensity to Acute Myelogenous Leukemia; Familial thrombocytopenia with propensity to acute myelogenous leukemia; PLATELET DISORDER, ASPIRIN-LIKE; RUNX1 Familial Platelet Disorder with Associated Myeloid Malignancies. Identifiers: Orphanet 71290, MedGen C1832388, MeSH C563324, MONDO:0100083, OMIM 601399.
Acute myeloid leukemia (AML). Also called: Acute myeloid leukemia, adult; AML adult; Acute non-lymphocytic leukemia; Acute granulocytic leukemia; Leukemia, acute myelogenous, somatic; Leukemia, acute myeloid, somatic. Identifiers: Orphanet 519, MedGen C0023467, MeSH D015470, MONDO:0018874, OMIM 601626, HP:0004808. Disease mechanism: Constitutively activated FLT3.
Hereditary thrombocytopenia and hematologic cancer predisposition syndrome. Identifiers: Orphanet 71290, MedGen CN281654, MONDO:0011071.
Thrombocytopenia. Identifiers: MedGen C0040034, MeSH D013921, MONDO:0002049, HP:0001873.
Abnormal bleeding. Also called: Bleeding diathesis. Identifiers: MedGen C1458140, HP:0001892.

Allele frequency attached by ClinVar (database versions not stated): gnomAD 0.00004; 1000 Genomes Project 30x 0.01140.
gnomAD v4.1: 2,207 of 1,264,374 alleles (0.17%); highest among the groups gnomAD compares: East Asian, 0.47%; no homozygotes.

Submissions (5):

ClinGen Myeloid Malignancy Variant Curation Expert Panel
Classification: Uncertain significance for Hereditary thrombocytopenia and hematologic cancer predisposition syndrome. Last evaluated: 2024-10-29. Review status: reviewed by expert panel. Criteria: ClinGen MyeloMalig ACMG Specifications v2. Collection method: curation. Allele origin: germline. Inheritance: Autosomal dominant inheritance.
Comment: NM_001754.5(RUNX1):c.1265A>C (p.Glu422Ala) is a missense variant which is absent from gnomAD v2, and while the highest continental population minor allele frequency in gnomAD v3 is below BA1/BS1 thresholds, the highest minor allele frequency in gnomAD v4 is 0.004662 (137/29388 alleles) in the East Asian population. However, the allele balance in gnomAD v3 and v4 is heavily skewed, and site quality appears lower compared to some common, known pathogenic variants (BA1 not met). Despite the high MAF, this variant has been recurrently reported in various neoplasms, including MDS (PMID: 35470277; PMID: 35470277; PMID: 36932114), MPN (PMID: 37671053), pleomorphic xanthoastrocytoma (PMID: 30496796), esophageal SCC (PMID: 31700061), melanoma (PMID: 35988589), and other cancers (PMID: 38028607). However, the confirmation status of the alteration and/or confirmation of germline origin was not available for these cases, and the variant's presence in gnomAD precludes the use of PS4. The computational predictor REVEL gives a score of 0.052, which is below the threshold of 0.50, and the splice site predictor SpliceAI indicates that the variant has no impact on splicing, suggesting it does not predict a damaging effect on RUNX1 function (BP4). In summary, this variant meets the criteria to be classified as a variant of uncertain significance (VUS) for autosomal dominant hereditary thrombocytopenia and hematologic cancer predisposition syndrome. ACMG/AMP criteria applied, as specified by the ClinGen Myeloid Malignancy VCEP: BP4.

Fulgent Genetics
Classification: Uncertain significance for Hereditary thrombocytopenia and hematological cancer predisposition syndrome associated with RUNX1; Acute myeloid leukemia. Last evaluated: 2022-02-08. Review status: criteria provided, single submitter. Criteria: ACMG Guidelines, 2015. Collection method: clinical testing. Allele origin: unknown. Not counted in ClinVar's aggregate classification.

Labcorp Genetics (formerly Invitae), Labcorp
Classification: Uncertain significance for Hereditary thrombocytopenia and hematological cancer predisposition syndrome associated with RUNX1. Last evaluated: 2021-09-07. Review status: criteria provided, single submitter. Criteria: Invitae Variant Classification Sherloc (09022015). Collection method: clinical testing. Allele origin: germline. Not counted in ClinVar's aggregate classification.
Comment: This sequence change replaces glutamic acid with alanine at codon 422 of the RUNX1 protein (p.Glu422Ala). The glutamic acid residue is weakly conserved and there is a moderate physicochemical difference between glutamic acid and alanine. While this variant is not present in population databases, the frequency information is unreliable, as metrics indicate poor data quality at this position in the ExAC database. This variant has not been reported in the literature in individuals with RUNX1-related disease. Algorithms developed to predict the effect of missense changes on protein structure and function (SIFT, PolyPhen-2, Align-GVGD) all suggest that this variant is likely to be tolerated, but these predictions have not been confirmed by published functional studies and their clinical significance is uncertain. In summary, the available evidence is currently insufficient to determine the role of this variant in disease. Therefore, it has been classified as a Variant of Uncertain Significance.

Breakthrough Genomics
Classification: Uncertain significance. Review status: criteria provided, single submitter. Criteria: ACMG Guidelines, 2015. Collection method: not provided. Allele origin: germline. Inheritance: Autosomal dominant inheritance. Affected: yes. Not counted in ClinVar's aggregate classification.

Birmingham Platelet Group; University of Birmingham
Classification: Uncertain significance for Thrombocytopenia; Abnormal bleeding. Last evaluated: 2020-05-01. Review status: no assertion criteria provided. Collection method: research. Allele origin: germline. Affected: yes. Not counted in ClinVar's aggregate classification.

NM_001754.5(RUNX1):c.1265A>C (p.Glu422Ala)

Gene: RUNX1 (RUNX family transcription factor 1; minus strand). Cytogenetic location: 21q22.12.
Variant type: single nucleotide variant.
Coding change: c.1265A>C on transcript NM_001754.5 (MANE Select); coding-DNA position 1265, A replaced by C.
Protein change: p.Glu422Ala; replaces glutamic acid 422 with alanine.
Molecular consequence: missense variant.
Genome position (GRCh38, 1-based): chr21:34,792,313, T>G on the plus strand (A>C on the coding strand, the complement: RUNX1 is on the minus strand). VCF-style: chr21-34792313-T-G. GRCh37 (hg19) VCF-style: chr21-36164610-T-G.
Other names: NM_001754.5(RUNX1):c.1265A>C; p.Glu422Ala; c.1184A>C, p.Glu395Ala (NM_001001890.3); short protein forms E395A, E422A.
Identifiers: ClinVar variation 988848 (VCV000988848.6), dbSNP rs2056451758, ClinGen allele CA410147589.